The following is an entry in ClinVar:

ClinVar aggregate classification (germline): Uncertain significance (1 of 4 stars; one submission).

gnomAD v4.1: 1 of 1,402,490 alleles (0.000071%); highest among the groups gnomAD compares: Non-Finnish European, 0.000093%; no homozygotes.

Submission:

Ambry Genetics
Classification: Uncertain significance. Last evaluated: 2024-12-29. Review status: criteria provided, single submitter. Criteria: Ambry Variant Classification Scheme 2023. Collection method: clinical testing. Allele origin: germline.
Comment: The p.K10Q variant (also known as c.28A>C), located in coding exon 1 of the ATRIP gene, results from an A to C substitution at nucleotide position 28. The lysine at codon 10 is replaced by glutamine, an amino acid with similar properties. This amino acid position is conserved. In addition, this alteration is predicted to be tolerated by in silico analysis. Based on the available evidence, the clinical significance of this variant remains unclear.

NM_130384.3(ATRIP):c.28A>C (p.Lys10Gln)

Genes: ATRIP (ATR interacting protein; plus strand), ATRIP-TREX1 (ATRIP-TREX1 readthrough; plus strand), LOC129936703 (ATAC-STARR-seq lymphoblastoid silent region 14331; plus strand). Cytogenetic location: 3p21.31.
Variant type: single nucleotide variant.
Coding change: c.28A>C on transcript NM_130384.3 (MANE Select); coding-DNA position 28, A replaced by C.
Protein change: p.Lys10Gln; replaces lysine 10 with glutamine.
Molecular consequence: missense variant. On other transcripts: non-coding transcript variant (1), intron variant (1).
Genome position (GRCh38, 1-based): chr3:48,446,873, A>C. VCF-style: chr3-48446873-A-C. GRCh37 (hg19) VCF-style: chr3-48488277-A-C.
Other names: c.28A>C, p.Lys10Gln (NM_032166.4); c.-218+74A>C (NM_001271022.2); short protein forms K10Q.
Identifiers: ClinVar variation 3809384 (VCV003809384.1).